The following is an entry in ClinVar:

ClinVar aggregate classification (germline): Likely benign. Review status: criteria provided, single submitter (1 of 4 stars). 2 submissions from 2 submitters: Likely benign (1). 1 of the submissions does not count toward it. Last evaluated 2026-01-01.

Conditions:
FGFRL1-related disorder. Also called: FGFRL1-related condition.

Allele frequency attached by ClinVar (database versions not stated): TOPMed 0.00002; gnomAD 0.00011; gnomAD exomes 0.00025; 1000 Genomes Project 30x 0.00031; 1000 Genomes Project 0.00040; ExAC 0.00065.
gnomAD v4.1: 385 of 1,610,680 alleles (0.024%); highest among the groups gnomAD compares: South Asian, 0.41%; 2 homozygotes.

Submissions (2):

Labcorp Genetics (formerly Invitae), Labcorp
Classification: Likely benign. Last evaluated: 2026-01-01. Review status: criteria provided, single submitter. Criteria: Invitae Variant Classification Sherloc (09022015). Collection method: clinical testing. Allele origin: germline.

PreventionGenetics, part of Exact Sciences
Classification: Likely benign for FGFRL1-related condition. Last evaluated: 2023-01-12. Review status: no assertion criteria provided. Collection method: clinical testing. Allele origin: germline. Not counted in ClinVar's aggregate classification.
Comment: This variant is classified as likely benign based on ACMG/AMP sequence variant interpretation guidelines (Richards et al. 2015 PMID: 25741868, with internal and published modifications).

NM_001004356.3(FGFRL1):c.1366C>T (p.Pro456Ser)

Gene: FGFRL1 (fibroblast growth factor receptor like 1; plus strand). Cytogenetic location: 4p16.3.
Variant type: single nucleotide variant.
Coding change: c.1366C>T on transcript NM_001004356.3 (MANE Select); coding-DNA position 1366, C replaced by T.
Protein change: p.Pro456Ser; replaces proline 456 with serine.
Molecular consequence: missense variant.
Genome position (GRCh38, 1-based): chr4:1,025,198, C>T. VCF-style: chr4-1025198-C-T. GRCh37 (hg19) VCF-style: chr4-1018986-C-T.
Other names: c.1366C>T, p.Pro456Ser (NM_001004358.1, NM_001370296.1, NM_021923.3); c.1366C>T (NM_001004356.2); short protein forms P456S.
Identifiers: ClinVar variation 2416515 (VCV002416515.8), dbSNP rs549237929, ClinGen allele CA2803093.